The following is an entry in ClinVar:

NM_014633.5(CTR9):c.3098A>G (p.His1033Arg)

Gene: CTR9 (CTR9 component of Paf1/RNA polymerase II complex; plus strand). Cytogenetic location: 11p15.4.
Variant type: single nucleotide variant.
Coding change: c.3098A>G on transcript NM_014633.5 (MANE Select); coding-DNA position 3098, A replaced by G.
Protein change: p.His1033Arg; replaces histidine 1033 with arginine.
Molecular consequence: missense variant.
Genome position (GRCh38, 1-based): chr11:10,778,681, A>G. VCF-style: chr11-10778681-A-G. GRCh37 (hg19) VCF-style: chr11-10800228-A-G.
Other names: c.3026A>G, p.His1009Arg (NM_001346279.2); short protein forms H1033R, H1009R.
Identifiers: ClinVar variation 4752085 (VCV004752085.1).

ClinVar aggregate classification (germline): Uncertain significance (1 of 4 stars; one submission).

gnomAD v4.1: 3 of 1,607,218 alleles (0.00019%); highest among the groups gnomAD compares: East Asian, 0.0045%; no homozygotes.

Submission:

Labcorp Genetics (formerly Invitae), Labcorp
Classification: Uncertain significance. Last evaluated: 2025-03-19. Review status: criteria provided, single submitter. Criteria: Invitae Variant Classification Sherloc (09022015). Collection method: clinical testing. Allele origin: germline.
Comment: This sequence change replaces histidine, which is basic and polar, with arginine, which is basic and polar, at codon 1033 of the CTR9 protein (p.His1033Arg). The frequency data for this variant in the population databases is considered unreliable, as metrics indicate poor data quality at this position in the gnomAD database. This variant has not been reported in the literature in individuals affected with CTR9-related conditions. An algorithm developed to predict the effect of missense changes on protein structure and function outputs the following: PolyPhen-2: "Benign". The arginine amino acid residue is found in multiple mammalian species, which suggests that this missense change does not adversely affect protein function. In summary, the available evidence is currently insufficient to determine the role of this variant in disease. Therefore, it has been classified as a Variant of Uncertain Significance.